The following is an entry in ClinVar:

NM_000051.4(ATM):c.4135C>A (p.Pro1379Thr)

Gene: ATM (ATM serine/threonine kinase; plus strand). Cytogenetic location: 11q22.3.
Variant type: single nucleotide variant.
Coding change: c.4135C>A on transcript NM_000051.4 (MANE Select); coding-DNA position 4135, C replaced by A.
Protein change: p.Pro1379Thr; replaces proline 1379 with threonine.
Molecular consequence: missense variant.
Genome position (GRCh38, 1-based): chr11:108,289,002, C>A. VCF-style: chr11-108289002-C-A. GRCh37 (hg19) VCF-style: chr11-108159729-C-A.
Other names: c.4135C>A, p.Pro1379Thr (NM_001351834.2); short protein forms P1379T.
Identifiers: ClinVar variation 1499717 (VCV001499717.8), dbSNP rs1555096828, ClinGen allele CA382529871.

ClinVar aggregate classification (germline): Uncertain significance (1 of 4 stars; one submission).

Conditions:
Ataxia-telangiectasia syndrome (AT). Also called: Cerebello-oculocutaneous telangiectasia; Immunodeficiency with ataxia telangiectasia; AT, COMPLEMENTATION GROUP C; ATAXIA-TELANGIECTASIA, COMPLEMENTATION GROUP A; ATAXIA-TELANGIECTASIA, FRESNO VARIANT; LOUIS-BAR SYNDROME. Identifiers: Orphanet 100, MedGen C0004135, MONDO:0008840, OMIM 208900.

Submission:

Labcorp Genetics (formerly Invitae), Labcorp
Classification: Uncertain significance for Ataxia-telangiectasia syndrome. Last evaluated: 2025-06-19. Review status: criteria provided, single submitter. Criteria: Invitae Variant Classification Sherloc (09022015). Collection method: clinical testing. Allele origin: germline.
Comment: This sequence change replaces proline, which is neutral and non-polar, with threonine, which is neutral and polar, at codon 1379 of the ATM protein (p.Pro1379Thr). This variant is not present in population databases (gnomAD no frequency). This variant has not been reported in the literature in individuals affected with ATM-related conditions. ClinVar contains an entry for this variant (Variation ID: 1499717). Invitae Evidence Modeling of protein sequence and biophysical properties (such as structural, functional, and spatial information, amino acid conservation, physicochemical variation, residue mobility, and thermodynamic stability) has been performed for this missense variant. However, the output from this modeling did not meet the statistical confidence thresholds required to predict the impact of this variant on ATM protein function. In summary, the available evidence is currently insufficient to determine the role of this variant in disease. Therefore, it has been classified as a Variant of Uncertain Significance.